The following is an entry in ClinVar:

NM_001267550.2(TTN):c.2077-86C>T

Gene: TTN (titin; minus strand). Cytogenetic location: 2q31.2.
Variant type: single nucleotide variant.
Coding change: c.2077-86C>T on transcript NM_001267550.2 (MANE Select); 86 bases into the intron before coding-DNA position 2077, C replaced by T.
Molecular consequence: intron variant.
Genome position (GRCh38, 1-based): chr2:178,786,227, G>A on the plus strand (C>T on the coding strand, the complement: TTN is on the minus strand). VCF-style: chr2-178786227-G-A. GRCh37 (hg19) VCF-style: chr2-179650954-G-A.
Other names: c.2077-86C>T (NM_001256850.1, NM_133378.4, NM_133379.5); c.1939-86C>T (NM_003319.4, NM_133437.4, NM_133432.3).
Identifiers: ClinVar variation 672045 (VCV000672045.2), dbSNP rs6715901, ClinGen allele CA11039160.

ClinVar aggregate classification (germline): Benign. Review status: criteria provided, multiple submitters, no conflicts (2 of 4 stars). 2 submissions from 2 submitters: Benign (2). Last evaluated 2018-06-14.

Allele frequency attached by ClinVar (database versions not stated): 1000 Genomes Project 0.27636; 1000 Genomes Project 30x 0.28061; TOPMed 0.37977; gnomAD 0.39334 and 0.39944.
gnomAD v4.1: 648,251 of 1,427,194 alleles (45%); highest among the groups gnomAD compares: Non-Finnish European, 50%; 154,437 homozygotes.

Submissions (2):

GeneDx
Classification: Benign. Last evaluated: 2018-06-14. Review status: criteria provided, single submitter. Criteria: GeneDx Variant Classification (06012015). Collection method: clinical testing. Allele origin: germline. Affected: yes.
Comment: This variant is considered likely benign or benign based on one or more of the following criteria: it is a conservative change, it occurs at a poorly conserved position in the protein, it is predicted to be benign by multiple in silico algorithms, and/or has population frequency not consistent with disease.

Breakthrough Genomics
Classification: Benign. Review status: criteria provided, single submitter. Criteria: ACMG Guidelines, 2015. Collection method: not provided. Allele origin: germline. Inheritance: Autosomal recessive inheritance. Affected: yes.